The following is an entry in ClinVar:

ClinVar aggregate classification (germline): Uncertain significance. Review status: criteria provided, multiple submitters, no conflicts (2 of 4 stars). 2 submissions from 2 submitters: Uncertain significance (2). Last evaluated 2025-12-11.

Conditions:
Cardiovascular phenotype. Identifiers: MedGen CN230736.
Dilated cardiomyopathy 1JJ (CMD1JJ). Identifiers: Orphanet 154, MedGen C3808935, MONDO:0014095, OMIM 615235.

Allele frequency attached by ClinVar (database versions not stated): TOPMed below 0.00001; ExAC 0.00001; gnomAD 0.00001.

Submissions (2):

Ambry Genetics
Classification: Uncertain significance for Cardiovascular phenotype. Last evaluated: 2025-12-11. Review status: criteria provided, single submitter. Criteria: Ambry Variant Classification Scheme 2023. Collection method: clinical testing. Allele origin: germline.
Comment: The p.M1084T variant (also known as c.3251T>C), located in coding exon 23 of the LAMA4 gene, results from a T to C substitution at nucleotide position 3251. The methionine at codon 1084 is replaced by threonine, an amino acid with similar properties. This amino acid position is conserved. In addition, this alteration is predicted to be deleterious by in silico analysis. Based on the available evidence, the clinical significance of this variant remains unclear.

Labcorp Genetics (formerly Invitae), Labcorp
Classification: Uncertain significance for Dilated cardiomyopathy 1JJ. Last evaluated: 2021-12-17. Review status: criteria provided, single submitter. Criteria: Invitae Variant Classification Sherloc (09022015). Collection method: clinical testing. Allele origin: germline.
Comment: In summary, the available evidence is currently insufficient to determine the role of this variant in disease. Therefore, it has been classified as a Variant of Uncertain Significance. Algorithms developed to predict the effect of missense changes on protein structure and function (SIFT, PolyPhen-2, Align-GVGD) all suggest that this variant is likely to be disruptive. This variant has not been reported in the literature in individuals affected with LAMA4-related conditions. This variant is present in population databases (rs782192538, gnomAD 0.003%). This sequence change replaces methionine, which is neutral and non-polar, with threonine, which is neutral and polar, at codon 1084 of the LAMA4 protein (p.Met1084Thr).

NM_001105206.3(LAMA4):c.3272T>C (p.Met1091Thr)

Gene: LAMA4 (laminin subunit alpha 4; minus strand). Cytogenetic location: 6q21.
Variant type: single nucleotide variant.
Coding change: c.3272T>C on transcript NM_001105206.3 (MANE Select); coding-DNA position 3272, T replaced by C.
Protein change: p.Met1091Thr; replaces methionine 1091 with threonine.
Molecular consequence: missense variant.
Genome position (GRCh38, 1-based): chr6:112,139,130, A>G on the plus strand (T>C on the coding strand, the complement: LAMA4 is on the minus strand). VCF-style: chr6-112139130-A-G. GRCh37 (hg19) VCF-style: chr6-112460332-A-G.
Other names: c.3251T>C, p.Met1084Thr (NM_001105207.3, NM_002290.5); short protein forms M1091T, M1084T.
Identifiers: ClinVar variation 2199810 (VCV002199810.5), dbSNP rs782192538, ClinGen allele CA3965272.
Genomic context (GRCh38, chr6:112,139,130, plus strand): 5'-GAAAGTAAAGGAAATAAAGGAGAAGTAGTAGGACTTGTATTTTTACTCACTCCATTGACC[A>G]TCAGGAGAATAAGGCCGTTGTCAGCTGGTGTTCGAACTTCTATGTCAAAGCGAGTCACCT-3'
Protein context (NP_001098676.2, residues 1081-1101): TPADNGLILL[Met1091Thr]VNGSMFFRLE